The following is an entry in ClinVar:

ClinVar aggregate classification (germline): Uncertain significance (1 of 4 stars; one submission).

Allele frequency attached by ClinVar (database versions not stated): TOPMed 0.00001.
gnomAD v4.1: 7 of 1,613,084 alleles (0.00043%); highest among the groups gnomAD compares: Non-Finnish European, 0.00059%; no homozygotes.

Submission:

Labcorp Genetics (formerly Invitae), Labcorp
Classification: Uncertain significance. Last evaluated: 2025-09-02. Review status: criteria provided, single submitter. Criteria: Invitae Variant Classification Sherloc (09022015). Collection method: clinical testing. Allele origin: germline.
Comment: This sequence change replaces phenylalanine, which is neutral and non-polar, with valine, which is neutral and non-polar, at codon 124 of the TGFB1 protein (p.Phe124Val). This variant is not present in population databases (gnomAD no frequency). This variant has not been reported in the literature in individuals affected with TGFB1-related conditions. ClinVar contains an entry for this variant (Variation ID: 2122661). Invitae Evidence Modeling of protein sequence and biophysical properties (such as structural, functional, and spatial information, amino acid conservation, physicochemical variation, residue mobility, and thermodynamic stability) indicates that this missense variant is not expected to disrupt TGFB1 protein function with a negative predictive value of 80%. In summary, the available evidence is currently insufficient to determine the role of this variant in disease. Therefore, it has been classified as a Variant of Uncertain Significance.

NM_000660.7(TGFB1):c.370T>G (p.Phe124Val)

Gene: TGFB1 (transforming growth factor beta 1; minus strand). Cytogenetic location: 19q13.2.
Variant type: single nucleotide variant.
Coding change: c.370T>G on transcript NM_000660.7 (MANE Select); coding-DNA position 370, T replaced by G.
Protein change: p.Phe124Val; replaces phenylalanine 124 with valine.
Molecular consequence: missense variant.
Genome position (GRCh38, 1-based): chr19:41,348,441, A>C on the plus strand (T>G on the coding strand, the complement: TGFB1 is on the minus strand). VCF-style: chr19-41348441-A-C. GRCh37 (hg19) VCF-style: chr19-41854346-A-C.
Other names: short protein forms F124V.
Identifiers: ClinVar variation 2122661 (VCV002122661.4), dbSNP rs1007174550, ClinGen allele CA308515456.